The following is an entry in ClinVar:

ClinVar aggregate classification (germline): Uncertain significance (1 of 4 stars; one submission).

Conditions:
Pitt-Hopkins-like syndrome 2 (PTHSL2). Identifiers: Orphanet 221150, Orphanet 600663, MedGen C3280479, MONDO:0013690, OMIM 614325.

Submission:

Labcorp Genetics (formerly Invitae), Labcorp
Classification: Uncertain significance for Pitt-Hopkins-like syndrome 2. Last evaluated: 2022-03-22. Review status: criteria provided, single submitter. Criteria: Invitae Variant Classification Sherloc (09022015). Collection method: clinical testing. Allele origin: germline.
Comment: In summary, the available evidence is currently insufficient to determine the role of this variant in disease. Therefore, it has been classified as a Variant of Uncertain Significance. Algorithms developed to predict the effect of missense changes on protein structure and function (SIFT, PolyPhen-2, Align-GVGD) all suggest that this variant is likely to be disruptive. This variant has not been reported in the literature in individuals affected with NRXN1-related conditions. This variant is not present in population databases (gnomAD no frequency). This sequence change replaces aspartic acid, which is acidic and polar, with glycine, which is neutral and non-polar, at codon 328 of the NRXN1 protein (p.Asp328Gly).

NM_001330078.2(NRXN1):c.884A>G (p.Asp295Gly)

Gene: NRXN1 (neurexin 1; minus strand). Cytogenetic location: 2p16.3.
Variant type: single nucleotide variant.
Coding change: c.884A>G on transcript NM_001330078.2 (MANE Select); coding-DNA position 884, A replaced by G.
Protein change: p.Asp295Gly; replaces aspartic acid 295 with glycine.
Molecular consequence: missense variant.
Genome position (GRCh38, 1-based): chr2:50,623,564, T>C on the plus strand (A>G on the coding strand, the complement: NRXN1 is on the minus strand). VCF-style: chr2-50623564-T-C. GRCh37 (hg19) VCF-style: chr2-50850702-T-C.
Other names: c.983A>G, p.Asp328Gly (NM_001135659.3); c.884A>G, p.Asp295Gly (NM_001330077.2, NM_001330082.2, NM_001330085.2 and 3 more transcripts); c.824A>G, p.Asp275Gly (NM_001330083.2, NM_001330084.2, NM_001330087.2 and 1 more transcripts); c.854A>G, p.Asp285Gly (NM_001330088.2); c.881A>G, p.Asp294Gly (NM_001330093.2); c.872A>G, p.Asp291Gly (NM_001330094.2); short protein forms D285G, D291G, D275G, D295G, D328G, D294G.
Identifiers: ClinVar variation 1410258 (VCV001410258.8), dbSNP rs2104296446, ClinGen allele CA346822619.
Genomic context (GRCh38, chr2:50,623,564, plus strand): 5'-AGGGTTTTAAATGACAGAGTTATTTCATCACTGCTGCTTTGAATGGGGTTTTGAGACAAG[T>C]CGTAGCAGAAGTATTCAGATCCTTTGAACGTGGCAATATATTCTTCTTTTCCTAGAGGAA-3'
Protein context (NP_001317007.1, residues 285-305): TFKGSEYFCY[Asp295Gly]LSQNPIQSSS